The following is an entry in ClinVar:

ClinVar aggregate classification (germline): Uncertain significance. Review status: criteria provided, multiple submitters, no conflicts (2 of 4 stars). 3 submissions from 3 submitters: Uncertain significance (3). Last evaluated 2023-03-14.

Conditions:
Inborn genetic diseases. Identifiers: MedGen C0950123, MeSH D030342.
Spastic paraplegia. Identifiers: MedGen C0037772, HP:0001258.

Allele frequency attached by ClinVar (database versions not stated): TOPMed 0.00010; 1000 Genomes Project 30x 0.00016.
gnomAD v4.1: 22 of 1,403,022 alleles (0.0016%); highest among the groups gnomAD compares: African/African-American, 0.032%; no homozygotes.

Submissions (3):

Ambry Genetics
Classification: Uncertain significance for Inborn genetic diseases. Last evaluated: 2023-03-14. Review status: criteria provided, single submitter. Criteria: Ambry Variant Classification Scheme 2023. Collection method: clinical testing. Allele origin: germline.

Labcorp Genetics (formerly Invitae), Labcorp
Classification: Uncertain significance for Spastic paraplegia. Last evaluated: 2022-06-10. Review status: criteria provided, single submitter. Criteria: Invitae Variant Classification Sherloc (09022015). Collection method: clinical testing. Allele origin: germline.
Comment: In summary, the available evidence is currently insufficient to determine the role of this variant in disease. Therefore, it has been classified as a Variant of Uncertain Significance. Algorithms developed to predict the effect of sequence changes on RNA splicing suggest that this variant may create or strengthen a splice site. Algorithms developed to predict the effect of missense changes on protein structure and function are either unavailable or do not agree on the potential impact of this missense change (SIFT: "Deleterious"; PolyPhen-2: "Probably Damaging"; Align-GVGD: "Class C0"). This variant has not been reported in the literature in individuals affected with GJC2-related conditions. This variant is not present in population databases (gnomAD no frequency). This sequence change replaces arginine, which is basic and polar, with glutamine, which is neutral and polar, at codon 338 of the GJC2 protein (p.Arg338Gln).

Breakthrough Genomics
Classification: Uncertain significance. Review status: criteria provided, single submitter. Criteria: ACMG Guidelines, 2015. Collection method: not provided. Allele origin: germline. Inheritance: Autosomal recessive inheritance. Affected: yes.

NM_020435.4(GJC2):c.1013G>A (p.Arg338Gln)

Gene: GJC2 (gap junction protein gamma 2; plus strand). Cytogenetic location: 1q42.13.
Variant type: single nucleotide variant.
Coding change: c.1013G>A on transcript NM_020435.4 (MANE Select); coding-DNA position 1013, G replaced by A.
Protein change: p.Arg338Gln; replaces arginine 338 with glutamine.
Molecular consequence: missense variant.
Genome position (GRCh38, 1-based): chr1:228,158,771, G>A. VCF-style: chr1-228158771-G-A. GRCh37 (hg19) VCF-style: chr1-228346472-G-A.
Other names: c.1013G>A (NM_020435.3); short protein forms R338Q.
Identifiers: ClinVar variation 1425334 (VCV001425334.10), dbSNP rs1011652150, ClinGen allele CA38728251.